The following is an entry in ClinVar:

ClinVar aggregate classification (germline): Conflicting classifications of pathogenicity. Review status: criteria provided, conflicting classifications (1 of 4 stars). 5 submissions from 5 submitters: Uncertain significance (1); Likely benign (2). 2 of the submissions do not count toward it. Last evaluated 2026-01-02.

Conditions:
Familial Mediterranean fever (FMF). Also called: POLYSEROSITIS, FAMILIAL PAROXYSMAL; POLYSEROSITIS, RECURRENT; Periodic peritonitis; Benign paroxysmal peritonitis. Identifiers: Orphanet 342, MedGen C0031069, MONDO:0018088, OMIM 249100. Disease mechanism: gain of function.
MEFV-related disorder. Also called: MEFV-related disorders; MEFV-related condition.
Inborn genetic diseases. Identifiers: MedGen C0950123, MeSH D030342.

Allele frequency attached by ClinVar (database versions not stated): TOPMed 0.00020; gnomAD exomes 0.00004; ExAC 0.00006; ESP Exome Variant Server 0.00008; gnomAD 0.00019 and 0.00017.

Submissions (5):

Labcorp Genetics (formerly Invitae), Labcorp
Classification: Likely benign for Familial Mediterranean fever. Last evaluated: 2026-01-02. Review status: criteria provided, single submitter. Criteria: Invitae Variant Classification Sherloc (09022015). Collection method: clinical testing. Allele origin: germline.

Ambry Genetics
Classification: Likely benign for Inborn genetic diseases. Last evaluated: 2022-09-24. Review status: criteria provided, single submitter. Criteria: Ambry Variant Classification Scheme 2023. Collection method: clinical testing. Allele origin: germline.

Illumina Laboratory Services, Illumina
Classification: Uncertain significance for Familial Mediterranean fever. Last evaluated: 2018-01-13. Review status: criteria provided, single submitter. Criteria: ICSL Variant Classification Criteria 13 December 2019. Collection method: clinical testing. Allele origin: germline.

PreventionGenetics, part of Exact Sciences
Classification: Likely benign for MEFV-related condition. Last evaluated: 2020-11-16. Review status: no assertion criteria provided. Collection method: clinical testing. Allele origin: germline. Not counted in ClinVar's aggregate classification.
Comment: This variant is classified as likely benign based on ACMG/AMP sequence variant interpretation guidelines (Richards et al. 2015 PMID: 25741868, with internal and published modifications).

Natera, Inc.
Classification: Likely benign for Familial Mediterranean fever. Last evaluated: 2020-03-21. Review status: no assertion criteria provided. Collection method: clinical testing. Allele origin: germline. Not counted in ClinVar's aggregate classification.

NM_000243.3(MEFV):c.1038C>G (p.Gly346=)

Gene: MEFV (MEFV innate immunity regulator, pyrin; minus strand). Cytogenetic location: 16p13.3.
Variant type: single nucleotide variant.
Coding change: c.1038C>G on transcript NM_000243.3 (MANE Select); coding-DNA position 1038, C replaced by G.
Protein change: p.Gly346=; no amino-acid change (glycine 346 retained).
Molecular consequence: synonymous variant.
Genome position (GRCh38, 1-based): chr16:3,249,653, G>C on the plus strand (C>G on the coding strand, the complement: MEFV is on the minus strand). VCF-style: chr16-3249653-G-C. GRCh37 (hg19) VCF-style: chr16-3299653-G-C.
Other names: c.405C>G, p.Gly135= (NM_001198536.2).
Identifiers: ClinVar variation 732072 (VCV000732072.22), dbSNP rs141090517, ClinGen allele CA7860249.